The following is an entry in ClinVar:

ClinVar aggregate classification (germline): Uncertain significance (1 of 4 stars; one submission).

gnomAD v4.1: 2 of 1,614,134 alleles (0.00012%); highest among the groups gnomAD compares: Non-Finnish European, 0.00017%; no homozygotes.

Submission:

Women's Health and Genetics/Laboratory Corporation of America, LabCorp
Classification: Uncertain significance. Last evaluated: 2025-06-26. Review status: criteria provided, single submitter. Criteria: LabCorp Variant Classification Summary - May 2015. Collection method: clinical testing. Allele origin: germline.
Comment: Variant summary: CUL7 c.110A>C (p.Glu37Ala) results in a non-conservative amino acid change in the encoded protein sequence. Algorithms developed to predict the effect of missense changes on protein structure and function all suggest that this variant is likely to be disruptive. The variant was absent in 250870 control chromosomes. The available data on variant occurrences in the general population are insufficient to allow any conclusion about variant significance. To our knowledge, no occurrence of c.110A>C in individuals affected with Three M Syndrome 1 and no experimental evidence demonstrating its impact on protein function have been reported. No submitters have cited clinical-significance assessments for this variant to ClinVar. Based on the evidence outlined above, the variant was classified as uncertain significance.

NM_014780.5(CUL7):c.110A>C (p.Glu37Ala)

Gene: CUL7 (cullin 7; minus strand). Cytogenetic location: 6p21.1.
Variant type: single nucleotide variant.
Coding change: c.110A>C on transcript NM_014780.5 (MANE Select); coding-DNA position 110, A replaced by C.
Protein change: p.Glu37Ala; replaces glutamic acid 37 with alanine.
Molecular consequence: missense variant.
Genome position (GRCh38, 1-based): chr6:43,052,679, T>G on the plus strand (A>C on the coding strand, the complement: CUL7 is on the minus strand). VCF-style: chr6-43052679-T-G. GRCh37 (hg19) VCF-style: chr6-43020417-T-G.
Other names: c.110A>C, p.Glu37Ala (NM_001168370.2, NM_001374872.1, NM_001374873.1 and 1 more transcripts); short protein forms E37A.
Identifiers: ClinVar variation 3907517 (VCV003907517.1).
Genomic context (GRCh38, chr6:43,052,679, plus strand): 5'-TGGCCAGAGCCCCCGTCCCCCTCATCGCCACGCCGCAGGATGAGCCAACGGATCTGGTAC[T>G]CAGGATGCCCATCATGGCCCACGCGCTGGCGGATCAGCTCATCAGGATAGGCATGTAAGC-3'
Protein context (NP_055595.2, residues 27-47): RQRVGHDGHP[Glu37Ala]YQIRWLILRR